The following is an entry in ClinVar:

NM_000432.4(MYL2):c.131T>C (p.Ile44Thr)

Gene: MYL2 (myosin light chain 2; minus strand). Cytogenetic location: 12q24.11.
Variant type: single nucleotide variant.
Coding change: c.131T>C on transcript NM_000432.4 (MANE Select); coding-DNA position 131, T replaced by C.
Protein change: p.Ile44Thr; replaces isoleucine 44 with threonine.
Molecular consequence: missense variant. On other transcripts: intron variant (1).
Genome position (GRCh38, 1-based): chr12:110,915,753, A>G on the plus strand (T>C on the coding strand, the complement: MYL2 is on the minus strand). VCF-style: chr12-110915753-A-G. GRCh37 (hg19) VCF-style: chr12-111353557-A-G.
Other names: c.74T>C, p.Ile25Thr (NM_001406916.1); c.94-1429T>C (NM_001406745.1); short protein forms I25T, I44T.
Identifiers: ClinVar variation 3363712 (VCV003363712.1).
Genomic context (GRCh38, chr12:110,915,753, plus strand): 5'-AGGGCTAGAGAGGGTGACATACCAAGGGCAGCAAAGGTGTCTCTCAGATCGTTCTTGTCA[A>G]TGAAGCCATCCCTGTTCTGGTCCATGATAGTGAAGGCCTGTGGAAGGGAAGTGATTGGCA-3'
Protein context (NP_000423.2, residues 34-54): TIMDQNRDGF[Ile44Thr]DKNDLRDTFA

ClinVar aggregate classification (germline): Uncertain significance (1 of 4 stars; one submission).

Submission:

GeneDx
Classification: Uncertain significance. Last evaluated: 2023-11-03. Review status: criteria provided, single submitter. Criteria: GeneDx Variant Classification Process June 2021. Collection method: clinical testing. Allele origin: germline. Affected: yes.
Comment: Not observed at significant frequency in large population cohorts (gnomAD); In silico analysis supports that this missense variant has a deleterious effect on protein structure/function; Has not been previously published as pathogenic or benign to our knowledge